The following is an entry in ClinVar:

ClinVar aggregate classification (germline): Uncertain significance (1 of 4 stars; one submission).

gnomAD v4.1: 1 of 1,613,906 alleles (0.000062%); highest among the groups gnomAD compares: Non-Finnish European, 0.000085%; no homozygotes.

Submission:

Labcorp Genetics (formerly Invitae), Labcorp
Classification: Uncertain significance. Last evaluated: 2024-11-16. Review status: criteria provided, single submitter. Criteria: Invitae Variant Classification Sherloc (09022015). Collection method: clinical testing. Allele origin: germline.
Comment: This sequence change replaces valine, which is neutral and non-polar, with phenylalanine, which is neutral and non-polar, at codon 1438 of the COL7A1 protein (p.Val1438Phe). This variant is not present in population databases (gnomAD no frequency). This variant has not been reported in the literature in individuals affected with COL7A1-related conditions. ClinVar contains an entry for this variant (Variation ID: 1401725). Invitae Evidence Modeling of protein sequence and biophysical properties (such as structural, functional, and spatial information, amino acid conservation, physicochemical variation, residue mobility, and thermodynamic stability) indicates that this missense variant is not expected to disrupt COL7A1 protein function with a negative predictive value of 95%. In summary, the available evidence is currently insufficient to determine the role of this variant in disease. Therefore, it has been classified as a Variant of Uncertain Significance.

NM_000094.4(COL7A1):c.4312G>T (p.Val1438Phe)

Gene: COL7A1 (collagen type VII alpha 1 chain; minus strand). Cytogenetic location: 3p21.31.
Variant type: single nucleotide variant.
Coding change: c.4312G>T on transcript NM_000094.4 (MANE Select); coding-DNA position 4312, G replaced by T.
Protein change: p.Val1438Phe; replaces valine 1438 with phenylalanine.
Molecular consequence: missense variant.
Genome position (GRCh38, 1-based): chr3:48,583,747, C>A on the plus strand (G>T on the coding strand, the complement: COL7A1 is on the minus strand). VCF-style: chr3-48583747-C-A. GRCh37 (hg19) VCF-style: chr3-48621180-C-A.
Other names: short protein forms V1438F.
Identifiers: ClinVar variation 1401725 (VCV001401725.7), dbSNP rs148625586, ClinGen allele CA352693471.